The following is an entry in ClinVar:

NM_001110556.2(FLNA):c.7871G>C (p.Gly2624Ala)

Genes: FLNA (filamin A; minus strand), LOC107988032 (Xq28 proximal FLNA-EMD recombination region; plus strand). Cytogenetic location: Xq28.
Variant type: single nucleotide variant.
Coding change: c.7871G>C on transcript NM_001110556.2 (MANE Select); coding-DNA position 7871, G replaced by C.
Protein change: p.Gly2624Ala; replaces glycine 2624 with alanine.
Molecular consequence: missense variant.
Genome position (GRCh38, 1-based): chrX:154,348,922, C>G on the plus strand (G>C on the coding strand, the complement: FLNA is on the minus strand). VCF-style: chrX-154348922-C-G. GRCh37 (hg19) VCF-style: chrX-153577290-C-G.
Other names: c.7847G>C, p.Gly2616Ala (NM_001456.4); short protein forms G2616A, G2624A.
Identifiers: ClinVar variation 2951884 (VCV002951884.3), dbSNP rs1557175147, ClinGen allele CA415177437.

ClinVar aggregate classification (germline): Uncertain significance (1 of 4 stars; one submission).

Conditions:
Heterotopia, periventricular, X-linked dominant (PVNH1). Also called: PERIVENTRICULAR NODULAR HETEROTOPIA 1; X-linked periventricular heterotopia; PERIVENTRICULAR NODULAR HETEROTOPIA 4; HETEROTOPIA, PERIVENTRICULAR, 1. Identifiers: Orphanet 2149, Orphanet 82004, MedGen C1848213, MONDO:0010233, OMIM 300049.
Melnick-Needles syndrome (MNS). Also called: Melnick-Needles Syndrome (FLNA-MNS); MELNICK-NEEDLES OSTEODYSPLASTY; OSTEODYSPLASTY OF MELNICK AND NEEDLES. Identifiers: Orphanet 2484, MedGen C0025237, MONDO:0010650, OMIM 309350.
Frontometaphyseal dysplasia (FMD1). Identifiers: Orphanet 1826, MedGen C0265293, MONDO:0015942.
Oto-palato-digital syndrome, type II (OPD2). Also called: Otopalatodigital Syndrome Type 2 (FLNA-OPD2); FACIOPALATOOSSEOUS SYNDROME; OPD II SYNDROME; Otopalatodigital Syndrome, Type II. Identifiers: Orphanet 669, Orphanet 90652, MedGen C1844696, MONDO:0010571, OMIM 304120.

gnomAD v4.1: 1 of 1,211,306 alleles (0.000083%); highest among the groups gnomAD compares: Non-Finnish European, 0.00011%; no homozygotes.

Submission:

Labcorp Genetics (formerly Invitae), Labcorp
Classification: Uncertain significance for Oto-palato-digital syndrome, type II; Heterotopia, periventricular, X-linked dominant; Frontometaphyseal dysplasia; Melnick-Needles syndrome. Last evaluated: 2023-11-08. Review status: criteria provided, single submitter. Criteria: Invitae Variant Classification Sherloc (09022015). Collection method: clinical testing. Allele origin: germline.
Comment: This sequence change replaces glycine, which is neutral and non-polar, with alanine, which is neutral and non-polar, at codon 2616 of the FLNA protein (p.Gly2616Ala). This variant is not present in population databases (gnomAD no frequency). This variant has not been reported in the literature in individuals affected with FLNA-related conditions. Advanced modeling of protein sequence and biophysical properties (such as structural, functional, and spatial information, amino acid conservation, physicochemical variation, residue mobility, and thermodynamic stability) performed at Invitae indicates that this missense variant is not expected to disrupt FLNA protein function with a negative predictive value of 95%. In summary, the available evidence is currently insufficient to determine the role of this variant in disease. Therefore, it has been classified as a Variant of Uncertain Significance.